The following is an entry in ClinVar:

ClinVar aggregate classification (germline): Benign (1 of 4 stars; one submission).

Conditions:
Anemia, nonspherocytic hemolytic, due to G6PD deficiency (CNSHA1). Also called: Hemolytic anemia due to G6PD deficiency; Class I glucose-6-phosphate dehydrogenase deficiency; Favism, susceptibility to; ANEMIA, CONGENITAL, NONSPHEROCYTIC HEMOLYTIC, 1. Identifiers: Orphanet 466026, MedGen C2720289, MONDO:0010480, OMIM 300908.

Allele frequency attached by ClinVar (database versions not stated): gnomAD 0.13393; 1000 Genomes Project 0.13987; 1000 Genomes Project 30x 0.14860; TOPMed 0.15337.
gnomAD v4.1: 14,777 of 111,330 alleles (13%); highest among the groups gnomAD compares: African/African-American, 46%; 2,431 homozygotes.

Submission:

Dunham Lab, University of Washington
Classification: Benign for Anemia, nonspherocytic hemolytic, due to G6PD deficiency. Last evaluated: 2022-08-12. Review status: criteria provided, single submitter. Criteria: ACMG Guidelines, 2015. Collection method: curation. Allele origin: unknown.
Comment: Variant found at a frequency of over 12% in gnomAD (BA1).

NM_001360016.2(G6PD):c.121-2107T>C

Gene: G6PD (glucose-6-phosphate dehydrogenase; minus strand). Cytogenetic location: Xq28.
Variant type: single nucleotide variant.
Coding change: c.121-2107T>C on transcript NM_001360016.2 (MANE Select); 2107 bases into the intron before coding-DNA position 121, T replaced by C.
Molecular consequence: intron variant.
Genome position (GRCh38, 1-based): chrX:154,538,285, A>G on the plus strand (T>C on the coding strand, the complement: G6PD is on the minus strand). VCF-style: chrX-154538285-A-G. GRCh37 (hg19) VCF-style: chrX-153766499-A-G.
Other names: c.211-2107T>C (NM_000402.4); c.121-2107T>C (NM_001042351.3).
Identifiers: ClinVar variation 1722745 (VCV001722745.2), dbSNP rs7881468, ClinGen allele CA337289021.